The following is an entry in ClinVar:

NM_001017974.2(P4HA2):c.648T>G (p.Ala216=)

Gene: P4HA2 (prolyl 4-hydroxylase subunit alpha 2; minus strand). Cytogenetic location: 5q31.1.
Variant type: single nucleotide variant.
Coding change: c.648T>G on transcript NM_001017974.2 (MANE Select); coding-DNA position 648, T replaced by G.
Protein change: p.Ala216=; no amino-acid change (alanine 216 retained).
Molecular consequence: synonymous variant.
Genome position (GRCh38, 1-based): chr5:132,210,345, A>C on the plus strand (T>G on the coding strand, the complement: P4HA2 is on the minus strand). VCF-style: chr5-132210345-A-C. GRCh37 (hg19) VCF-style: chr5-131546038-A-C.
Other names: c.648T>G, p.Ala216= (NM_001017973.1, NM_001142598.2, NM_001142599.2 and 6 more transcripts).
Identifiers: ClinVar variation 3043141 (VCV003043141.2), dbSNP rs369753157, ClinGen allele CA3402666.

ClinVar aggregate classification (germline): Likely benign (0 of 4 stars; one submission).

Conditions:
P4HA2-related disorder. Also called: P4HA2-related condition.

Allele frequency attached by ClinVar (database versions not stated): ExAC 0.00002; TOPMed 0.00003; gnomAD 0.00006; ESP Exome Variant Server 0.00008.
gnomAD v4.1: 35 of 1,614,146 alleles (0.0022%); highest among the groups gnomAD compares: East Asian, 0.016%; no homozygotes.

Submission:

PreventionGenetics, part of Exact Sciences
Classification: Likely benign for P4HA2-related condition. Last evaluated: 2019-06-26. Review status: no assertion criteria provided. Collection method: clinical testing. Allele origin: germline.
Comment: This variant is classified as likely benign based on ACMG/AMP sequence variant interpretation guidelines (Richards et al. 2015 PMID: 25741868, with internal and published modifications).